The following is an entry in ClinVar:

ClinVar aggregate classification (germline): Uncertain significance (0 of 4 stars; one submission).

Conditions:
ALMS1-related disorder. Also called: ALMS1-related condition.

Submission:

PreventionGenetics, part of Exact Sciences
Classification: Uncertain significance for ALMS1-related condition. Last evaluated: 2024-03-06. Review status: no assertion criteria provided. Collection method: clinical testing. Allele origin: germline.
Comment: The ALMS1 c.10480G>C variant is predicted to result in the amino acid substitution p.Asp3494His. To our knowledge, this variant has not been reported in the literature or in a large population database, indicating this variant is rare. At this time, the clinical significance of this variant is uncertain due to the absence of conclusive functional and genetic evidence.

NM_001378454.1(ALMS1):c.10477G>C (p.Asp3493His)

Gene: ALMS1 (ALMS1 centrosome and basal body associated protein; plus strand). Cytogenetic location: 2p13.1.
Variant type: single nucleotide variant.
Coding change: c.10477G>C on transcript NM_001378454.1 (MANE Select); coding-DNA position 10477, G replaced by C.
Protein change: p.Asp3493His; replaces aspartic acid 3493 with histidine.
Molecular consequence: missense variant.
Genome position (GRCh38, 1-based): chr2:73,572,354, G>C. VCF-style: chr2-73572354-G-C. GRCh37 (hg19) VCF-style: chr2-73799481-G-C.
Other names: c.10480G>C, p.Asp3494His (NM_015120.4); short protein forms D3493H, D3494H.
Identifiers: ClinVar variation 3349555 (VCV003349555.1).